The following is an entry in ClinVar:

NM_024757.5(EHMT1):c.2099del (p.Gly700fs)

Gene: EHMT1 (euchromatic histone lysine methyltransferase 1; plus strand). Cytogenetic location: 9q34.3.
Variant type: Deletion.
Coding change: c.2099del on transcript NM_024757.5 (MANE Select); coding-DNA position 2099, one base deleted (G; older notation c.2099delG).
Protein change: p.Gly700fs; shifts the reading frame from glycine 700.
Molecular consequence: frameshift variant.
Genome position (GRCh38, 1-based): chr9:137,777,962, G deleted; the last of 3 consecutive G bases (chr9:137,777,960-137,777,962); deleting any one gives the same sequence. VCF-style (leftmost placement, unchanged base first): chr9-137777959-CG-C. GRCh37 (hg19) VCF-style: chr9-140672411-CG-C.
Other names: c.2099del, p.Gly700fs (NM_001145527.2); c.2006del, p.Gly669fs (NM_001354259.2); c.2078del, p.Gly693fs (NM_001354263.2); short protein forms G669fs, G693fs, G700fs.
Identifiers: ClinVar variation 4279835 (VCV004279835.1).

ClinVar aggregate classification (germline): Likely pathogenic (1 of 4 stars; one submission).

Conditions:
Kleefstra syndrome 1 (KLEFS1). Identifiers: Orphanet 261494, MedGen C0795833, MONDO:0027407, OMIM 610253.

Submission:

Clinical Genomics Laboratory, Washington University in St. Louis
Classification: Likely pathogenic for Kleefstra syndrome 1. Last evaluated: 2025-07-03. Review status: criteria provided, single submitter. Criteria: ACMG Guidelines, 2015. Collection method: clinical testing. Allele origin: germline. Affected: yes.
Comment: The EHMT1 c.2099del (p.Gly700Aspfs*111) variant, to our knowledge, has not been reported in the medical literature. This variant causes a frameshift by deleting a single nucleotide, leading to a premature termination codon, which is predicted to lead to nonsense mediated decay. This variant is absent from the general population (gnomAD v2.1.1), indicating it is not a common variant. Based on available information and the ACMG/AMP guidelines for variant interpretation (Richards S et al., PMID: 25741868), this variant is classified as likely pathogenic.